The following is an entry in ClinVar:

ClinVar aggregate classification (germline): Pathogenic (1 of 4 stars; one submission).

Conditions:
Hereditary cancer-predisposing syndrome. Also called: Neoplastic Syndromes, Hereditary; Tumor predisposition; Hereditary Cancer Syndrome; Hereditary neoplastic syndrome. Identifiers: Orphanet 140162, MedGen C0027672, MeSH D009386, MONDO:0015356.

Submission:

Ambry Genetics
Classification: Pathogenic for Hereditary cancer-predisposing syndrome. Last evaluated: 2026-03-03. Review status: criteria provided, single submitter. Criteria: Ambry Variant Classification Scheme 2023. Collection method: clinical testing. Allele origin: germline.
Comment: The c.2036_2037delTC pathogenic mutation, located in coding exon 14 of the MSH3 gene, results from a deletion of two nucleotides at nucleotide positions 2036 to 2037, causing a translational frameshift with a predicted alternate stop codon (p.L679Qfs*12). This variant is considered to be rare based on population cohorts in the Genome Aggregation Database (gnomAD). This alteration is expected to result in loss of function by premature protein truncation or nonsense-mediated mRNA decay. As such, this alteration is interpreted as a disease-causing mutation.

NM_002439.5(MSH3):c.2036_2037del (p.Leu679fs)

Gene: MSH3 (mutS homolog 3; plus strand). Cytogenetic location: 5q14.1.
Variant type: Deletion.
Coding change: c.2036_2037del on transcript NM_002439.5 (MANE Select); coding-DNA positions 2036 to 2037, 2 bases deleted (TC; older notation c.2036_2037delTC).
Protein change: p.Leu679fs; shifts the reading frame from leucine 679.
Molecular consequence: frameshift variant.
Genome position (GRCh38, 1-based): chr5:80,768,072-80,768,073, TC deleted; deleting any 2 consecutive bases within chr5:80,768,071-80,768,073 gives the same sequence; the c. name uses the placement nearest the transcript's 3' end. VCF-style (leftmost placement, unchanged base first): chr5-80768070-CCT-C. GRCh37 (hg19) VCF-style: chr5-80063889-CCT-C.
Other names: short protein forms L679fs.
Identifiers: ClinVar variation 4826790 (VCV004826790.1).
Genomic context (GRCh38, chr5:80,768,070, plus strand): 5'-TGTTAATTCCCACATTCAGTCAGACTTGCTCCGGACCGTTATTTTAGAAATTCCTGAACT[CCT>C]CAGTCCAGTGGAGCATTACTTAAAGATACTCAATGAACAAGCTGCCAAGTAAGTACCAGA-3'